The following is an entry in ClinVar:

ClinVar aggregate classification (germline): Uncertain significance (1 of 4 stars; one submission).

Submission:

Labcorp Genetics (formerly Invitae), Labcorp
Classification: Uncertain significance. Last evaluated: 2021-12-06. Review status: criteria provided, single submitter. Criteria: Invitae Variant Classification Sherloc (09022015). Collection method: clinical testing. Allele origin: germline.
Comment: This sequence change replaces glutamic acid, which is acidic and polar, with alanine, which is neutral and non-polar, at codon 78 of the MYO7A protein (p.Glu78Ala). This variant is not present in population databases (gnomAD no frequency). This variant has not been reported in the literature in individuals affected with MYO7A-related conditions. Advanced modeling of protein sequence and biophysical properties (such as structural, functional, and spatial information, amino acid conservation, physicochemical variation, residue mobility, and thermodynamic stability) performed at Invitae indicates that this missense variant is expected to disrupt MYO7A protein function. In summary, the available evidence is currently insufficient to determine the role of this variant in disease. Therefore, it has been classified as a Variant of Uncertain Significance.

NM_000260.4(MYO7A):c.233A>C (p.Glu78Ala)

Gene: MYO7A (myosin VIIA; plus strand). Cytogenetic location: 11q13.5.
Variant type: single nucleotide variant.
Coding change: c.233A>C on transcript NM_000260.4 (MANE Select); coding-DNA position 233, A replaced by C.
Protein change: p.Glu78Ala; replaces glutamic acid 78 with alanine.
Molecular consequence: missense variant.
Genome position (GRCh38, 1-based): chr11:77,147,898, A>C. VCF-style: chr11-77147898-A-C. GRCh37 (hg19) VCF-style: chr11-76858944-A-C.
Other names: c.233A>C, p.Glu78Ala (NM_001127180.2); c.200A>C, p.Glu67Ala (NM_001369365.1); short protein forms E67A, E78A.
Identifiers: ClinVar variation 2035230 (VCV002035230.4), dbSNP rs2496577197, ClinGen allele CA381929161.